The following is an entry in ClinVar:

GRCh38/hg38 8q24.3(chr8:144375621-144605333)x3

Genes: ADCK5 (aarF domain containing kinase 5; plus strand), ARHGAP39 (Rho GTPase activating protein 39; minus strand), C8orf82 (chromosome 8 open reading frame 82; minus strand), CPSF1 (cleavage and polyadenylation specific factor 1; minus strand), FOXH1 (forkhead box H1; minus strand) and 44 more. Cytogenetic location: 8q24.3.
Variant type: copy number gain.
Change: copy number 3 (three copies instead of two) of chr8:144,375,621-144,605,333 (229.7 kb, GRCh38 coordinates, 1-based), cytogenetic band 8q24.3.
Identifiers: ClinVar variation 58434 (VCV000058434.2).

ClinVar aggregate classification (germline): Uncertain significance (1 of 4 stars; one submission).

Submission:

ISCA Site 6
Classification: Uncertain significance. Last evaluated: 2011-08-12. Review status: criteria provided, single submitter. Criteria: Kaminsky et al. (Genet Med. 2011). Collection method: clinical testing. Allele origin: paternal. Affected: yes. Observed: 1 variant allele.
Comment: Copy number variation identified through the course of routine clinical cytogenomic testing in postnatal populations. Clinical assertions have been curated as described in Kaminsky et al. 2011.